The following is an entry in ClinVar:

ClinVar aggregate classification (germline): Pathogenic/Likely pathogenic. Review status: criteria provided, multiple submitters, no conflicts (2 of 4 stars). 3 submissions from 3 submitters: Pathogenic (1); Likely pathogenic (1). 1 of the submissions does not count toward it. Last evaluated 2025-03-16.

Conditions:
Usher syndrome type 1D (USH1D). Also called: USHER SYNDROME, TYPE ID. Identifiers: Orphanet 231169, Orphanet 886, MedGen C1832845, MONDO:0010984, OMIM 601067.
Usher syndrome type 1F (USH1F). Also called: USHER SYNDROME, TYPE IF. Identifiers: Orphanet 231169, Orphanet 886, MedGen C1865885, MONDO:0011186, OMIM 602083.
Autosomal recessive nonsyndromic hearing loss 23. Identifiers: Orphanet 90636, MedGen C1836027, MONDO:0012293, OMIM 609533.

Allele frequency attached by ClinVar (database versions not stated): TOPMed below 0.00001.

Submissions (3):

Labcorp Genetics (formerly Invitae), Labcorp
Classification: Pathogenic. Last evaluated: 2025-03-16. Review status: criteria provided, single submitter. Criteria: Invitae Variant Classification Sherloc (09022015). Collection method: clinical testing. Allele origin: germline.
Comment: This sequence change affects an acceptor splice site in intron 32 of the PCDH15 gene. While this variant is not anticipated to result in nonsense mediated decay, it likely alters RNA splicing and results in a disrupted protein product. This variant is not present in population databases (gnomAD no frequency). This variant has not been reported in the literature in individuals affected with PCDH15-related conditions. ClinVar contains an entry for this variant (Variation ID: 370524). Variants that disrupt the consensus splice site are a relatively common cause of aberrant splicing (PMID: 17576681, 9536098). Algorithms developed to predict the effect of sequence changes on RNA splicing suggest that this variant may disrupt the consensus splice site. This variant disrupts a region of the PCDH15 protein in which other variant(s) (p.Val1578Alafs*6) have been determined to be pathogenic (PMID: 33089500; internal data). This suggests that this is a clinically significant region of the protein, and that variants that disrupt it are likely to be disease-causing. For these reasons, this variant has been classified as Pathogenic.

Fulgent Genetics
Classification: Likely pathogenic for Usher syndrome type 1D; Usher syndrome type 1F; Autosomal recessive nonsyndromic hearing loss 23. Last evaluated: 2024-04-29. Review status: criteria provided, single submitter. Criteria: ACMG Guidelines, 2015. Collection method: clinical testing. Allele origin: germline.

Counsyl
Classification: Likely pathogenic for Usher syndrome type 1F. Last evaluated: 2016-02-22. Review status: no assertion criteria provided. Collection method: clinical testing. Allele origin: unknown. Not counted in ClinVar's aggregate classification.

Literature cited by the submitters: PubMed 17576681 (cited by Labcorp Genetics (formerly Invitae), Labcorp); PubMed 9536098 (cited by Labcorp Genetics (formerly Invitae), Labcorp); PubMed 33089500 (cited by Labcorp Genetics (formerly Invitae), Labcorp).

NM_033056.4(PCDH15):c.4368-2A>T

Gene: PCDH15 (protocadherin related 15; minus strand). Cytogenetic location: 10q21.1.
Variant type: single nucleotide variant.
Coding change: c.4368-2A>T on transcript NM_033056.4 (MANE Plus Clinical); the canonical splice acceptor site of the intron before coding-DNA position 4368, A replaced by T.
Molecular consequence: splice acceptor variant. On other transcripts: intron variant (8).
Genome position (GRCh38, 1-based): chr10:53,823,360, T>A on the plus strand (A>T on the coding strand, the complement: PCDH15 is on the minus strand). VCF-style: chr10-53823360-T-A. GRCh37 (hg19) VCF-style: chr10-55583120-T-A.
Other names: c.4367+4033A>T (NM_001354420.2, NM_001354429.2); c.4368-3130A>T (NM_001384140.1); c.4373+1776A>T (NM_001142772.2, NM_001142770.3); c.4388+1776A>T (NM_001142771.2); c.4388+4033A>T (NM_001354411.2); c.4409+1776A>T (NM_001142769.3); c.4302-2A>T (NM_001354404.2); c.4299-2A>T (NM_001142773.2); and 6 more.
Identifiers: ClinVar variation 370524 (VCV000370524.7), dbSNP rs989521806, ClinGen allele CA16041354.